The following is an entry in ClinVar:

NM_012233.3(RAB3GAP1):c.1187G>C (p.Gly396Ala)

Gene: RAB3GAP1 (RAB3 GTPase activating protein catalytic subunit 1; plus strand). Cytogenetic location: 2q21.3.
Variant type: single nucleotide variant.
Coding change: c.1187G>C on transcript NM_012233.3 (MANE Select); coding-DNA position 1187, G replaced by C.
Protein change: p.Gly396Ala; replaces glycine 396 with alanine.
Molecular consequence: missense variant.
Genome position (GRCh38, 1-based): chr2:135,130,672, G>C. VCF-style: chr2-135130672-G-C. GRCh37 (hg19) VCF-style: chr2-135888242-G-C.
Other names: c.1187G>C, p.Gly396Ala (NM_001172435.2); c.1187G>C (NM_012233.2); short protein forms G396A.
Identifiers: ClinVar variation 2195818 (VCV002195818.4), dbSNP rs61748696, ClinGen allele CA1884771.

ClinVar aggregate classification (germline): Uncertain significance. Review status: criteria provided, multiple submitters, no conflicts (2 of 4 stars). 2 submissions from 2 submitters: Uncertain significance (2). Last evaluated 2023-08-04.

Conditions:
Inborn genetic diseases. Identifiers: MedGen C0950123, MeSH D030342.

Allele frequency attached by ClinVar (database versions not stated): ESP Exome Variant Server 0.00015; 1000 Genomes Project 30x 0.00016; 1000 Genomes Project 0.00020.
gnomAD v4.1: 26 of 1,613,782 alleles (0.0016%); highest among the groups gnomAD compares: African/African-American, 0.027%; no homozygotes.

Submissions (2):

Labcorp Genetics (formerly Invitae), Labcorp
Classification: Uncertain significance. Last evaluated: 2023-08-04. Review status: criteria provided, single submitter. Criteria: Invitae Variant Classification Sherloc (09022015). Collection method: clinical testing. Allele origin: germline.
Comment: In summary, the available evidence is currently insufficient to determine the role of this variant in disease. Therefore, it has been classified as a Variant of Uncertain Significance. This sequence change replaces glycine, which is neutral and non-polar, with alanine, which is neutral and non-polar, at codon 396 of the RAB3GAP1 protein (p.Gly396Ala). This variant is present in population databases (rs61748696, gnomAD 0.03%). This variant has not been reported in the literature in individuals affected with RAB3GAP1-related conditions. ClinVar contains an entry for this variant (Variation ID: 2195818). Advanced modeling of protein sequence and biophysical properties (such as structural, functional, and spatial information, amino acid conservation, physicochemical variation, residue mobility, and thermodynamic stability) performed at Invitae indicates that this missense variant is not expected to disrupt RAB3GAP1 protein function.

Ambry Genetics
Classification: Uncertain significance for Inborn genetic diseases. Last evaluated: 2023-01-18. Review status: criteria provided, single submitter. Criteria: Ambry Variant Classification Scheme 2023. Collection method: clinical testing. Allele origin: germline.